The following is an entry in ClinVar:

NM_001232.4(CASQ2):c.738-3C>A

Gene: CASQ2 (calsequestrin 2; minus strand). Cytogenetic location: 1p13.1.
Variant type: single nucleotide variant.
Coding change: c.738-3C>A on transcript NM_001232.4 (MANE Select); 3 bases into the intron before coding-DNA position 738, C replaced by A.
Molecular consequence: intron variant.
Genome position (GRCh38, 1-based): chr1:115,725,556, G>T on the plus strand (C>A on the coding strand, the complement: CASQ2 is on the minus strand). VCF-style: chr1-115725556-G-T. GRCh37 (hg19) VCF-style: chr1-116268177-G-T.
Identifiers: ClinVar variation 228468 (VCV000228468.4), dbSNP rs876657750, ClinGen allele CA10576358.

ClinVar aggregate classification (germline): Uncertain significance (1 of 4 stars; one submission).

Allele frequency attached by ClinVar (database versions not stated): gnomAD 0.00001.

Submission:

Laboratory for Molecular Medicine, Mass General Brigham Personalized Medicine
Classification: Uncertain significance. Last evaluated: 2015-06-10. Review status: criteria provided, single submitter. Criteria: LMM Criteria. Collection method: clinical testing. Allele origin: germline. Observed: 1 variant allele.
Comment: The c.738-3C>A variant in CASQ2 has not been previously reported in individuals with cardiomyopathy or in large population studies. This variant is located in t he 3' splice region. Computational tools do not suggest an impact to splicing; h owever, this information is not predictive enough to rule out pathogenicity. In summary, the clinical significance of the c.738-3C>A variant is uncertain.